The following is an entry in ClinVar:

ClinVar aggregate classification (germline): Conflicting classifications of pathogenicity. Review status: criteria provided, conflicting classifications (1 of 4 stars). 2 submissions from 2 submitters: Uncertain significance (1); Likely benign (1). Last evaluated 2024-10-23.

Conditions:
Inborn genetic diseases. Identifiers: MedGen C0950123, MeSH D030342.

Allele frequency attached by ClinVar (database versions not stated): gnomAD exomes 0.00001; TOPMed 0.00001.
gnomAD v4.1: 12 of 1,555,000 alleles (0.00077%); highest among the groups gnomAD compares: Non-Finnish European, 0.001%; no homozygotes.

Submissions (2):

Labcorp Genetics (formerly Invitae), Labcorp
Classification: Uncertain significance. Last evaluated: 2024-10-23. Review status: criteria provided, single submitter. Criteria: Invitae Variant Classification Sherloc (09022015). Collection method: clinical testing. Allele origin: germline.
Comment: This sequence change replaces asparagine, which is neutral and polar, with serine, which is neutral and polar, at codon 1262 of the CCDC88C protein (p.Asn1262Ser). This variant is not present in population databases (gnomAD no frequency). This variant has not been reported in the literature in individuals affected with CCDC88C-related conditions. ClinVar contains an entry for this variant (Variation ID: 1978935). An algorithm developed to predict the effect of missense changes on protein structure and function outputs the following: PolyPhen-2: "Benign". The serine amino acid residue is found in multiple mammalian species, which suggests that this missense change does not adversely affect protein function. In summary, the available evidence is currently insufficient to determine the role of this variant in disease. Therefore, it has been classified as a Variant of Uncertain Significance.

Ambry Genetics
Classification: Likely benign for Inborn genetic diseases. Last evaluated: 2021-09-16. Review status: criteria provided, single submitter. Criteria: Ambry Variant Classification Scheme 2023. Collection method: clinical testing. Allele origin: germline.

NM_001080414.4(CCDC88C):c.3785A>G (p.Asn1262Ser)

Gene: CCDC88C (coiled-coil and HOOK domain protein 88C; minus strand). Cytogenetic location: 14q32.11.
Variant type: single nucleotide variant.
Coding change: c.3785A>G on transcript NM_001080414.4 (MANE Select); coding-DNA position 3785, A replaced by G.
Protein change: p.Asn1262Ser; replaces asparagine 1262 with serine.
Molecular consequence: missense variant.
Genome position (GRCh38, 1-based): chr14:91,297,486, T>C on the plus strand (A>G on the coding strand, the complement: CCDC88C is on the minus strand). VCF-style: chr14-91297486-T-C. GRCh37 (hg19) VCF-style: chr14-91763830-T-C.
Other names: short protein forms N1262S.
Identifiers: ClinVar variation 1978935 (VCV001978935.4), dbSNP rs1366859752, ClinGen allele CA390618809.